The following is an entry in ClinVar:

NM_001367721.1(CASK):c.1880A>G (p.Lys627Arg)

Gene: CASK (calcium/calmodulin dependent serine protein kinase; minus strand). Cytogenetic location: Xp11.4.
Variant type: single nucleotide variant.
Coding change: c.1880A>G on transcript NM_001367721.1 (MANE Select); coding-DNA position 1880, A replaced by G.
Protein change: p.Lys627Arg; replaces lysine 627 with arginine.
Molecular consequence: missense variant.
Genome position (GRCh38, 1-based): chrX:41,553,878, T>C on the plus strand (A>G on the coding strand, the complement: CASK is on the minus strand). VCF-style: chrX-41553878-T-C. GRCh37 (hg19) VCF-style: chrX-41413131-T-C.
Other names: c.1811A>G, p.Lys604Arg (NM_001126054.3); c.1793A>G, p.Lys598Arg (NM_001126055.3); c.1862A>G, p.Lys621Arg (NM_001410745.1); c.1880A>G, p.Lys627Arg (NM_003688.4); short protein forms K598R, K627R, K604R, K621R.
Identifiers: ClinVar variation 1999921 (VCV001999921.4), dbSNP rs2519752097, ClinGen allele CA412993300.

ClinVar aggregate classification (germline): Uncertain significance (1 of 4 stars; one submission).

Conditions:
Intellectual disability, CASK-related, X-linked. Identifiers: MedGen CN043158.

Submission:

Labcorp Genetics (formerly Invitae), Labcorp
Classification: Uncertain significance for Intellectual disability, CASK-related, X-linked. Last evaluated: 2022-08-30. Review status: criteria provided, single submitter. Criteria: Invitae Variant Classification Sherloc (09022015). Collection method: clinical testing. Allele origin: germline.
Comment: This variant is not present in population databases (gnomAD no frequency). This sequence change replaces lysine, which is basic and polar, with arginine, which is basic and polar, at codon 627 of the CASK protein (p.Lys627Arg). In summary, the available evidence is currently insufficient to determine the role of this variant in disease. Therefore, it has been classified as a Variant of Uncertain Significance. Algorithms developed to predict the effect of missense changes on protein structure and function are either unavailable or do not agree on the potential impact of this missense change (SIFT: "Deleterious"; PolyPhen-2: "Benign"; Align-GVGD: "Class C25"). This variant has not been reported in the literature in individuals affected with CASK-related conditions.